The following is an entry in ClinVar:

ClinVar aggregate classification (germline): Pathogenic. Review status: criteria provided, multiple submitters, no conflicts (2 of 4 stars). 3 submissions from 3 submitters: Pathogenic (2). 1 of the submissions does not count toward it. Last evaluated 2023-10-13.

Conditions:
Intellectual developmental disorder, X-linked, syndromic 33. Also called: X-linked intellectual disability-global development delay-facial dysmorphism-sacral caudal remnant syndrome; Intellectual disability, X-linked, syndromic 33. Identifiers: Orphanet 480907, MedGen C4225418, MONDO:0010500, OMIM 300966.
Abnormal heart morphology. Also called: Abnormality of cardiac morphology; Heart, malformation of. Identifiers: MedGen C0018798, MeSH D006330, HP:0001627.

Submissions (3):

Labcorp Genetics (formerly Invitae), Labcorp
Classification: Pathogenic. Last evaluated: 2023-10-13. Review status: criteria provided, single submitter. Criteria: Invitae Variant Classification Sherloc (09022015). Collection method: clinical testing. Allele origin: germline.
Comment: This sequence change replaces arginine, which is basic and polar, with histidine, which is basic and polar, at codon 1452 of the TAF1 protein (p.Arg1452His). This variant is not present in population databases (gnomAD no frequency). This missense change has been observed in individual(s) with clinical features of TAF1-related conditions (PMID: 26637982; Invitae). In at least one individual the variant was observed to be de novo. This variant is also known as p.Arg1431His. ClinVar contains an entry for this variant (Variation ID: 1344726). An algorithm developed to predict the effect of missense changes on protein structure and function (PolyPhen-2) suggests that this variant is likely to be disruptive. For these reasons, this variant has been classified as Pathogenic.

Genome Medicine, Institute for Basic Research in Developmental Disabilities
Classification: Pathogenic for Intellectual developmental disorder, X-linked, syndromic 33. Last evaluated: 2022-08-08. Review status: criteria provided, single submitter. Criteria: O'Rawe JA et al. (Am J Hum Genet 2015). Collection method: clinical testing. Allele origin: de novo. Affected: yes. Observed: 1 variant allele.

Yale Center for Mendelian Genomics, Yale University
Classification: association for Abnormal heart morphology. Last evaluated: 2020-06-13. Review status: no assertion criteria provided. Collection method: literature only. Allele origin: germline. Affected: yes. Observed: 1 heterozygote. Study: Yale Center for Mendelian Genomics. Not counted in ClinVar's aggregate classification.

Literature cited by the submitters: PubMed 26637982 (cited by Labcorp Genetics (formerly Invitae), Labcorp); PubMed 32396742 (cited by Yale Center for Mendelian Genomics, Yale University).

NM_004606.5(TAF1):c.4295G>A (p.Arg1432His)

Gene: TAF1 (TATA-box binding protein associated factor 1; plus strand). Cytogenetic location: Xq13.1.
Variant type: single nucleotide variant.
Coding change: c.4295G>A on transcript NM_004606.5 (MANE Select); coding-DNA position 4295, G replaced by A.
Protein change: p.Arg1432His; replaces arginine 1432 with histidine.
Molecular consequence: missense variant. On other transcripts: non-coding transcript variant (9).
Genome position (GRCh38, 1-based): chrX:71,408,062, G>A. VCF-style: chrX-71408062-G-A. GRCh37 (hg19) VCF-style: chrX-70627912-G-A.
Other names: c.4295G>A, p.Arg1432His (NM_001286074.2); c.4232G>A, p.Arg1411His (NM_138923.4); short protein forms R1411H, R1432H.
Identifiers: ClinVar variation 1344726 (VCV001344726.7), dbSNP rs2148488251, ClinGen allele CA413537444.